The following is an entry in ClinVar:

NM_017946.4(FKBP14):c.385A>G (p.Ile129Val)

Genes: FKBP14 (FKBP prolyl isomerase 14; minus strand), FKBP14-AS1 (FKBP14 antisense RNA 1; plus strand). Cytogenetic location: 7p14.3.
Variant type: single nucleotide variant.
Coding change: c.385A>G on transcript NM_017946.4 (MANE Select); coding-DNA position 385, A replaced by G.
Protein change: p.Ile129Val; replaces isoleucine 129 with valine.
Molecular consequence: missense variant. On other transcripts: non-coding transcript variant (2).
Genome position (GRCh38, 1-based): chr7:30,019,088, T>C on the plus strand (A>G on the coding strand, the complement: FKBP14 is on the minus strand). VCF-style: chr7-30019088-T-C. GRCh37 (hg19) VCF-style: chr7-30058704-T-C.
Other names: short protein forms I129V.
Identifiers: ClinVar variation 1428787 (VCV001428787.8), dbSNP rs771396716, ClinGen allele CA4203416.
Genomic context (GRCh38, chr7:30,019,088, plus strand): 5'-GATCCATTTCTTGGAATGATTCATGGGATCTTGGTCCATTTCGAATCTCCAGGAGATCAA[T>C]ATTAAATATCAGTGTACTTTCTGGGGGAATTTTACCTGACGTGAGGAAAGAAGGCAGAAA-3'
Protein context (NP_060416.1, residues 119-139): IPPESTLIFN[Ile129Val]DLLEIRNGPR

ClinVar aggregate classification (germline): Uncertain significance (1 of 4 stars; one submission).

Conditions:
Ehlers-Danlos syndrome, kyphoscoliotic type, 2. Also called: Ehlers-Danlos syndrome with progressive kyphoscoliosis, myopathy, and hearing loss; Ehlers-Danlos syndrome, kyphoscoliotic and deafness type; FKBP14-Kyphoscoliotic Ehlers-Danlos Syndrome. Identifiers: Orphanet 300179, MedGen C3281160, MONDO:0013800, OMIM 614557.

Allele frequency attached by ClinVar (database versions not stated): gnomAD exomes below 0.00001; ExAC 0.00001.
gnomAD v4.1: 1 of 1,588,074 alleles (0.000063%); highest among the groups gnomAD compares: African/African-American, 0.0014%; no homozygotes.

Submission:

Labcorp Genetics (formerly Invitae), Labcorp
Classification: Uncertain significance for Ehlers-Danlos syndrome, kyphoscoliotic type, 2. Last evaluated: 2021-04-30. Review status: criteria provided, single submitter. Criteria: Invitae Variant Classification Sherloc (09022015). Collection method: clinical testing. Allele origin: germline.
Comment: In summary, the available evidence is currently insufficient to determine the role of this variant in disease. Therefore, it has been classified as a Variant of Uncertain Significance. Algorithms developed to predict the effect of missense changes on protein structure and function output the following: SIFT: "Tolerated"; PolyPhen-2: "Benign"; Align-GVGD: "Class C0". The valine amino acid residue is found in multiple mammalian species, suggesting that this missense change does not adversely affect protein function. These predictions have not been confirmed by published functional studies and their clinical significance is uncertain. This variant has not been reported in the literature in individuals with FKBP14-related conditions. This variant is present in population databases (rs771396716, ExAC 0.01%). This sequence change replaces isoleucine with valine at codon 129 of the FKBP14 protein (p.Ile129Val). The isoleucine residue is highly conserved and there is a small physicochemical difference between isoleucine and valine.